The following is an entry in ClinVar:

NM_148919.4(PSMB8):c.826C>G (p.Gln276Glu)

Gene: PSMB8 (proteasome 20S subunit beta 8; minus strand). Cytogenetic location: 6p21.32.
Variant type: single nucleotide variant.
Coding change: c.826C>G on transcript NM_148919.4 (MANE Select); coding-DNA position 826, C replaced by G.
Protein change: p.Gln276Glu; replaces glutamine 276 with glutamic acid.
Molecular consequence: missense variant.
Genome position (GRCh38, 1-based): chr6:32,840,964, G>C on the plus strand (C>G on the coding strand, the complement: PSMB8 is on the minus strand). VCF-style: chr6-32840964-G-C. GRCh37 (hg19) VCF-style: chr6-32808741-G-C.
Other names: c.814C>G, p.Gln272Glu (NM_004159.5); short protein forms Q272E, Q276E.
Identifiers: ClinVar variation 3242008 (VCV003242008.1), dbSNP rs2483076474.

ClinVar aggregate classification (germline): Uncertain significance (1 of 4 stars; one submission).

Conditions:
Proteasome-associated autoinflammatory syndrome 1 (PRAAS1). Also called: JOINT CONTRACTURES, MUSCULAR ATROPHY, MICROCYTIC ANEMIA, AND PANNICULITIS-INDUCED LIPODYSTROPHY; JMP SYNDROME; AUTOINFLAMMATION, LIPODYSTROPHY, AND DERMATOSIS SYNDROME; NAKAJO-NISHIMURA SYNDROME; CHRONIC ATYPICAL NEUTROPHILIC DERMATOSIS WITH LIPODYSTROPHY AND ELEVATED TEMPERATURE SYNDROME; Nakajo syndrome. Identifiers: Orphanet 2615, Orphanet 324977, Orphanet 324999, Orphanet 325004, MedGen C4746851, MONDO:0054698, OMIM 256040.

Submission:

Neuberg Centre For Genomic Medicine, NCGM
Classification: Uncertain significance for Proteasome-associated autoinflammatory syndrome 1. Review status: criteria provided, single submitter. Criteria: ACMG Guidelines, 2015. Collection method: clinical testing. Allele origin: germline. Inheritance: Autosomal recessive inheritance. Affected: yes.
Comment: The observed missense c.826C>G(p.Gln276Glu) variant in PSMB8 gene has not been reported previously as a pathogenic variant nor as a benign variant, to our knowledge. This variant is absent in gnomAD Exomes. The amino acid Gln at position 276 is changed to a Glu changing protein sequence and it might alter its composition and physico-chemical properties. The amino acid change p.Gln276Glu in PSMB8 is predicted as conserved by GERP++ and PhyloP across 100 vertebrates. For these reasons, this variant has been classified as Uncertain Significance.